The following is an entry in ClinVar:

NM_014391.3(ANKRD1):c.346-33_346-12del

Gene: ANKRD1 (ankyrin repeat domain 1; minus strand). Cytogenetic location: 10q23.31.
Variant type: Deletion.
Coding change: c.346-33_346-12del on transcript NM_014391.3 (MANE Select); 33 bases into the intron before coding-DNA position 346 through 12 bases into the intron before coding-DNA position 346, 22 bases deleted (ATATATATATATATTTATTTAT).
Molecular consequence: intron variant.
Genome position (GRCh38, 1-based): chr10:90,918,984-90,919,005, ATAAATAAATATATATATATAT deleted on the plus strand (ATATATATATATATTTATTTAT on the coding strand, the reverse complement: ANKRD1 is on the minus strand); deleting any 22 consecutive bases within chr10:90,918,984-90,919,008 gives the same sequence; the c. name uses the placement nearest the transcript's 3' end. VCF-style (leftmost placement, unchanged base first): chr10-90918983-AATAAATAAATATATATATATAT-A. GRCh37 (hg19) VCF-style: chr10-92678740-AATAAATAAATATATATATATAT-A.
Other names: c.346-33_346-12del22 (NM_014391.3).
Identifiers: ClinVar variation 1552595 (VCV001552595.10), dbSNP rs111461553, ClinGen allele CA5598754.

ClinVar aggregate classification (germline): Benign/Likely benign. Review status: criteria provided, multiple submitters, no conflicts (2 of 4 stars). 3 submissions from 3 submitters: Benign (1); Likely benign (1). 1 of the submissions does not count toward it. Last evaluated 2026-05-20.

Conditions:
ANKRD1-related disorder. Also called: ANKRD1-related condition.
ANKRD1-related dilated cardiomyopathy. Identifiers: MedGen CN119551.

Submissions (3):

Women's Health and Genetics/Laboratory Corporation of America, LabCorp
Classification: Likely benign. Last evaluated: 2026-05-20. Review status: criteria provided, single submitter. Criteria: LabCorp Variant Classification Summary - May 2015. Collection method: clinical testing. Allele origin: germline.
Comment: Variant summary: ANKRD1 c.346-33_346-12del22 alters a nucleotide located at a position not widely known to affect splicing. Consensus agreement among computation tools predict no significant impact on normal splicing. However, these predictions have yet to be confirmed by functional studies. The variant was absent in 213642 control chromosomes. The available data on variant occurrences in the general population are insufficient to allow any conclusion about variant significance. To our knowledge, no occurrence of c.346-33_346-12del22 in individuals affected with ANKRD1-related conditions and no experimental evidence demonstrating its impact on protein function have been reported. ClinVar contains an entry for this variant (Variation ID: 1552595). Based on the evidence outlined above, the variant was classified as likely benign.

Labcorp Genetics (formerly Invitae), Labcorp
Classification: Benign for ANKRD1-related dilated cardiomyopathy. Last evaluated: 2026-01-18. Review status: criteria provided, single submitter. Criteria: Invitae Variant Classification Sherloc (09022015). Collection method: clinical testing. Allele origin: germline.

PreventionGenetics, part of Exact Sciences
Classification: Likely benign for ANKRD1-related condition. Last evaluated: 2024-05-13. Review status: no assertion criteria provided. Collection method: clinical testing. Allele origin: germline. Not counted in ClinVar's aggregate classification.
Comment: This variant is classified as likely benign based on ACMG/AMP sequence variant interpretation guidelines (Richards et al. 2015 PMID: 25741868, with internal and published modifications).